The following is an entry in ClinVar:

ClinVar aggregate classification (germline): Uncertain significance (1 of 4 stars; one submission).

Conditions:
Inborn genetic diseases. Identifiers: MedGen C0950123, MeSH D030342.

gnomAD v4.1: 5 of 1,613,924 alleles (0.00031%); highest among the groups gnomAD compares: East Asian, 0.011%; no homozygotes.

Submission:

Ambry Genetics
Classification: Uncertain significance for Inborn genetic diseases. Last evaluated: 2023-11-17. Review status: criteria provided, single submitter. Criteria: Ambry Variant Classification Scheme 2023. Collection method: clinical testing. Allele origin: germline.
Comment: The p.Q720P variant (also known as c.2159A>C), located in coding exon 13 of the EPAS1 gene, results from an A to C substitution at nucleotide position 2159. The glutamine at codon 720 is replaced by proline, an amino acid with similar properties. This amino acid position is conserved. In addition, the in silico prediction for this alteration is inconclusive. Since supporting evidence is limited at this time, the clinical significance of this alteration remains unclear.

NM_001430.5(EPAS1):c.2159A>C (p.Gln720Pro)

Gene: EPAS1 (endothelial PAS domain protein 1; plus strand). Cytogenetic location: 2p21.
Variant type: single nucleotide variant.
Coding change: c.2159A>C on transcript NM_001430.5 (MANE Select); coding-DNA position 2159, A replaced by C.
Protein change: p.Gln720Pro; replaces glutamine 720 with proline.
Molecular consequence: missense variant.
Genome position (GRCh38, 1-based): chr2:46,381,709, A>C. VCF-style: chr2-46381709-A-C. GRCh37 (hg19) VCF-style: chr2-46608848-A-C.
Other names: short protein forms Q720P.
Identifiers: ClinVar variation 3221605 (VCV003221605.1), dbSNP rs1684897008, ClinGen allele CA346705656.